The following is an entry in ClinVar:

NM_000237.3(LPL):c.898_1019-1238dup

Gene: LPL (lipoprotein lipase; plus strand). Cytogenetic location: 8p21.3.
Variant type: Duplication.
Coding change: c.898_1019-1238dup on transcript NM_000237.3 (MANE Select); coding-DNA position 898 through 1238 bases into the intron before coding-DNA position 1019, 2,060 bases duplicated.
Molecular consequence: splice donor variant.
Genome position (GRCh38, 1-based): chr8:19,955,963-19,958,022, 2,060 bases duplicated. GRCh37 (hg19): chr8:19,813,474-19,815,533.
Identifiers: ClinVar variation 1765322 (VCV001765322.3), ClinGen allele CA2580078054.

ClinVar aggregate classification (germline): Uncertain significance (1 of 4 stars; one submission).

Conditions:
Cardiovascular phenotype. Identifiers: MedGen CN230736.

Submission:

Ambry Genetics
Classification: Uncertain significance for Cardiovascular phenotype. Last evaluated: 2025-05-16. Review status: criteria provided, single submitter. Criteria: Ambry Variant Classification Scheme 2023. Collection method: clinical testing. Allele origin: germline.
Comment: The c.898_1019-1238dup duplication includes at least a portion of coding exon 6 through at least a portion of intron 6 in the LPL gene. This variant is reported in the literature as resulting from Alu element-mediated recombination, duplicating approximately 2kb of the LPL gene sequence, which is inserted into intron 6 in tandem to the native sequence of intron 6, between the nucleotides located 1239 bases and 1238 bases upstream of coding exon 7 (Devlin RH et al. Am J Hum Genet 1990 Jan;46(1):112-9). Mobile element insertions typically contribute to pathogenicity by either disrupting the coding sequence or inducing aberrant splicing (Belancio VP et al. Semin Cancer Biol, 2010 Aug;20:200-10; Deininger P et al. Genome Biol, 2011 Dec;12:236; van der Klift HM Hum Mutat, 2012 Jul;33(7):1051-5), however, direct evidence is unavailable. The exact functional effect of the duplicated sequence is unknown. This rearrangement has been reported in several lipoprotein lipase (LPL) deficient individuals of European ancestry with extremely high triglyceride levels. One of these, who also carried a deletion on the other LPL allele, had no detectable LPL protein or enzymatic activity; affected members of three unrelated families who also carried the rearrangement in trans with normal second alleles, had detectable LPL protein levels, but the protein they produced was catalytically defective, demonstrating no LPL activity (Langlois S et al. Proc Natl Acad Sci U S A 1989 Feb;86(3):948-52; Devlin RH et al. Am J Hum Genet 1990 Jan;46(1):112-9). While LPL is an autosomal recessive gene, heterozygote carriers of pathogenic alterations without a detected second mutation (in LPL or other genes likely to cause LPL deficiency) have also been reported to demonstrate LPL deficiency to varying degrees, with phenotypic variability ranging from normal lipid values to extremely high triglyceride levels that may be indistinguishable from the levels found in homozygotes (Babirak SP et al. Arteriosclerosis, 1989 ;9(3):326-34; Nevin DN et al. Arterioscler Thromb 1994 Jun;14(6):869-73; Hegele RA et al. Lancet Diabetes Endocrinol 2014 Aug;2(8):655-66; Dron JS et al. J Clin Lipidol, 2019 Oct;13(1):80-88; Okazaki H et al. J Atheroscler Thromb 2021 Sep;28(9):883-904). Experts have suggested this possibly occurs as the result of a large-effect heterozygous variant in combination with accumulations of common or rare small-effect variants in several genes at many loci (Hegele RA et al. Lancet Diabetes Endocrinol 2014 Aug;2(8):655-66), or that it could also involve the presence of secondary, non-genetic factors (Brunzell JD, Deeb SS. In: Scriver CR, Beaudet AL, Sly WS, Valle D, eds. The Metabolic and Molecular Bases of Inherited Disease. 8 ed. New York, NY: McGraw-Hill; 2001:2789-816). Additionally, this duplication rearrangement has been described as an early founder mutation, though additional details regarding clinical impact are not available (Devlin RH et al. Am J Hum Genet 1990 Jan;46(1):112-9; Martinez J et al. J Mol Biol 2001 May;308(4):587-96). Based on data from gnomAD, the DUP_8_23990 allele, as it is labeled in the gnomAD SVs v2.1 database, has an overall frequency of 0.023% (5/21694) total alleles studied, including one homozygote. The highest observed frequency was 0.066% (5/7624) of European alleles. Since supporting evidence is limited at this time, the clinical significance of this alteration remains unclear.

Literature cited by the submitters: PubMed 11350162; PubMed 2294743; PubMed 24731657; PubMed 2536938; PubMed 2719595; PubMed 30466821; PubMed 33980761; PubMed 8199176.